The following is an entry in ClinVar:

NM_012431.3(SEMA3E):c.8C>T (p.Ser3Phe)

Gene: SEMA3E (semaphorin 3E; minus strand). Cytogenetic location: 7q21.11.
Variant type: single nucleotide variant.
Coding change: c.8C>T on transcript NM_012431.3 (MANE Select); coding-DNA position 8, C replaced by T.
Protein change: p.Ser3Phe; replaces serine 3 with phenylalanine.
Molecular consequence: missense variant.
Genome position (GRCh38, 1-based): chr7:83,648,535, G>A on the plus strand (C>T on the coding strand, the complement: SEMA3E is on the minus strand). VCF-style: chr7-83648535-G-A. GRCh37 (hg19) VCF-style: chr7-83277851-G-A.
Other names: short protein forms S3F.
Identifiers: ClinVar variation 4805074 (VCV004805074.1).

ClinVar aggregate classification (germline): Uncertain significance (1 of 4 stars; one submission).

Conditions:
CHARGE syndrome (CHARGE). Also called: Hittner Hirsch Kreh syndrome; CHARGE ASSOCIATION--COLOBOMA, HEART ANOMALY, CHOANAL ATRESIA, RETARDATION, GENITAL AND EAR ANOMALIES; Coloboma, heart anomaly, choanal atresia, retardation, genital and ear anomalies; CHARGE association; Hall-Hittner syndrome. Identifiers: Orphanet 138, MedGen C0265354, MONDO:0008965.

gnomAD v4.1: 1 of 1,613,014 alleles (0.000062%); highest among the groups gnomAD compares: Non-Finnish European, 0.000085%; no homozygotes.

Submission:

Labcorp Genetics (formerly Invitae), Labcorp
Classification: Uncertain significance for CHARGE syndrome. Last evaluated: 2025-03-06. Review status: criteria provided, single submitter. Criteria: Invitae Variant Classification Sherloc (09022015). Collection method: clinical testing. Allele origin: germline.
Comment: This sequence change replaces serine, which is neutral and polar, with phenylalanine, which is neutral and non-polar, at codon 3 of the SEMA3E protein (p.Ser3Phe). This variant is not present in population databases (gnomAD no frequency). This variant has not been reported in the literature in individuals affected with SEMA3E-related conditions. An algorithm developed to predict the effect of missense changes on protein structure and function (PolyPhen-2) suggests that this variant is likely to be tolerated. In summary, the available evidence is currently insufficient to determine the role of this variant in disease. Therefore, it has been classified as a Variant of Uncertain Significance.